The following is an entry in ClinVar:

ClinVar aggregate classification (germline): Uncertain significance (1 of 4 stars; one submission).

gnomAD v4.1: 13 of 1,611,242 alleles (0.00081%); highest among the groups gnomAD compares: Non-Finnish European, 0.001%; no homozygotes.

Submission:

Labcorp Genetics (formerly Invitae), Labcorp
Classification: Uncertain significance. Last evaluated: 2025-10-09. Review status: criteria provided, single submitter. Criteria: Invitae Variant Classification Sherloc (09022015). Collection method: clinical testing. Allele origin: germline.
Comment: This sequence change replaces arginine, which is basic and polar, with cysteine, which is neutral and slightly polar, at codon 1162 of the NSD1 protein (p.Arg1162Cys). This variant is present in population databases (rs765811504, gnomAD 0.005%). This variant has not been reported in the literature in individuals affected with NSD1-related conditions. Invitae Evidence Modeling of protein sequence and biophysical properties (such as structural, functional, and spatial information, amino acid conservation, physicochemical variation, residue mobility, and thermodynamic stability) indicates that this missense variant is expected to disrupt NSD1 protein function with a positive predictive value of 80%. In summary, the available evidence is currently insufficient to determine the role of this variant in disease. Therefore, it has been classified as a Variant of Uncertain Significance.

NM_022455.5(NSD1):c.3484C>T (p.Arg1162Cys)

Gene: NSD1 (nuclear receptor binding SET domain protein 1; plus strand). Cytogenetic location: 5q35.3.
Variant type: single nucleotide variant.
Coding change: c.3484C>T on transcript NM_022455.5 (MANE Select); coding-DNA position 3484, C replaced by T.
Protein change: p.Arg1162Cys; replaces arginine 1162 with cysteine.
Molecular consequence: missense variant.
Genome position (GRCh38, 1-based): chr5:177,211,883, C>T. VCF-style: chr5-177211883-C-T. GRCh37 (hg19) VCF-style: chr5-176638884-C-T.
Other names: c.2611C>T, p.Arg871Cys (NM_001365684.2, NM_001409306.1, NM_001409307.1 and 3 more transcripts); c.3484C>T, p.Arg1162Cys (NM_001409301.1, NM_001409302.1, NM_001409303.1); c.3064C>T, p.Arg1022Cys (NM_001409304.1); c.2731C>T, p.Arg911Cys (NM_001409305.1); short protein forms R1022C, R871C, R1162C, R911C.
Identifiers: ClinVar variation 4706321 (VCV004706321.1).
Genomic context (GRCh38, chr5:177,211,883, plus strand): 5'-AACAGTGAGAATGATGAACTCAATGGTGTAAATCAAGTGGTGCCTAAAAAGCGGTGGCAG[C>T]GTTTAAACCAAAGGCGCACTAAACCTCGTAAGCGCATGAACAGATTTAAAGAGAAAGAAA-3'
Protein context (NP_071900.2, residues 1152-1172): NQVVPKKRWQ[Arg1162Cys]LNQRRTKPRK